The following is an entry in ClinVar:

ClinVar aggregate classification (germline): Uncertain significance (1 of 4 stars; one submission).

Submission:

Labcorp Genetics (formerly Invitae), Labcorp
Classification: Uncertain significance. Last evaluated: 2021-06-18. Review status: criteria provided, single submitter. Criteria: Invitae Variant Classification Sherloc (09022015). Collection method: clinical testing. Allele origin: germline.
Comment: This variant is not present in population databases (ExAC no frequency). This variant has not been reported in the literature in individuals with KL-related conditions. Algorithms developed to predict the effect of sequence changes on RNA splicing suggest that this variant may create or strengthen a splice site, but this prediction has not been confirmed by published transcriptional studies. In summary, the available evidence is currently insufficient to determine the role of this variant in disease. Therefore, it has been classified as a Variant of Uncertain Significance. This sequence change creates a premature translational stop signal (p.Trp458*) in the KL gene. It is expected to result in an absent or disrupted protein product. However, the current clinical and genetic evidence is not sufficient to establish whether loss-of-function variants in KL cause disease.

NM_004795.4(KL):c.1373G>A (p.Trp458Ter)

Gene: KL (klotho; plus strand). Cytogenetic location: 13q13.1.
Variant type: single nucleotide variant.
Coding change: c.1373G>A on transcript NM_004795.4 (MANE Select); coding-DNA position 1373, G replaced by A.
Protein change: p.Trp458Ter; replaces tryptophan 458 with a stop codon.
Molecular consequence: nonsense.
Genome position (GRCh38, 1-based): chr13:33,055,089, G>A. VCF-style: chr13-33055089-G-A. GRCh37 (hg19) VCF-style: chr13-33629226-G-A.
Other names: short protein forms W458*.
Identifiers: ClinVar variation 1362233 (VCV001362233.6), dbSNP rs2138234285, ClinGen allele CA387792135.
Genomic context (GRCh38, chr13:33,055,089, plus strand): 5'-CCCCTCTTCCCTTTGCAGCCATCAAGCTGGATGGGGTGGATGTCATCGGGTATACCGCAT[G>A]GTCCCTCATGGATGGTTTCGAGTGGCACAGAGGTTACAGCATCAGGCGTGGACTCTTCTA-3'